The following is an entry in ClinVar:

NM_032131.6(ARMC2):c.219-4C>T

Gene: ARMC2 (armadillo repeat containing 2; plus strand). Cytogenetic location: 6q21.
Variant type: single nucleotide variant.
Coding change: c.219-4C>T on transcript NM_032131.6 (MANE Select); 4 bases into the intron before coding-DNA position 219, C replaced by T.
Molecular consequence: intron variant.
Genome position (GRCh38, 1-based): chr6:108,858,195, C>T. VCF-style: chr6-108858195-C-T. GRCh37 (hg19) VCF-style: chr6-109179398-C-T.
Other names: c.-205+3710C>T (NM_001286609.2).
Identifiers: ClinVar variation 3057169 (VCV003057169.2), dbSNP rs116681118, ClinGen allele CA3949570.

ClinVar aggregate classification (germline): Benign (0 of 4 stars; one submission).

Conditions:
ARMC2-related disorder. Also called: ARMC2-related condition.

Allele frequency attached by ClinVar (database versions not stated): ExAC 0.00111; 1000 Genomes Project 30x 0.00219; 1000 Genomes Project 0.00240; ESP Exome Variant Server 0.00308.

Submission:

PreventionGenetics, part of Exact Sciences
Classification: Benign for ARMC2-related condition. Last evaluated: 2019-12-02. Review status: no assertion criteria provided. Collection method: clinical testing. Allele origin: germline.
Comment: This variant is classified as benign based on ACMG/AMP sequence variant interpretation guidelines (Richards et al. 2015 PMID: 25741868, with internal and published modifications).